The following is an entry in ClinVar:

NM_001378454.1(ALMS1):c.9817A>G (p.Ser3273Gly)

Gene: ALMS1 (ALMS1 centrosome and basal body associated protein; plus strand). Cytogenetic location: 2p13.1.
Variant type: single nucleotide variant.
Coding change: c.9817A>G on transcript NM_001378454.1 (MANE Select); coding-DNA position 9817, A replaced by G.
Protein change: p.Ser3273Gly; replaces serine 3273 with glycine.
Molecular consequence: missense variant.
Genome position (GRCh38, 1-based): chr2:73,534,859, A>G. VCF-style: chr2-73534859-A-G. GRCh37 (hg19) VCF-style: chr2-73761986-A-G.
Other names: c.9820A>G, p.Ser3274Gly (NM_015120.4); short protein forms S3273G, S3274G.
Identifiers: ClinVar variation 4989994 (VCV004989994.1).
Genomic context (GRCh38, chr2:73,534,859, plus strand): 5'-ATTGTTCTGATTTTTACCTCCTTAGGCCAGCCTTTATTATTGCCATATAAGCCTTCTGGT[A>G]GTACCAAGATGTATTATGTTCCACAATTAAGACAAATTCCTCCATCTCCGGATTCCAAAT-3'
Protein context (NP_001365383.1, residues 3263-3283): PLLLPYKPSG[Ser3273Gly]TKMYYVPQLR

ClinVar aggregate classification (germline): Uncertain significance (1 of 4 stars; one submission).

Conditions:
ALMS1-related disorder. Also called: ALMS1-related condition.

Submission:

PreventionGenetics, part of Exact Sciences
Classification: Uncertain significance for ALMS1-related condition. Last evaluated: 2025-12-16. Review status: criteria provided, single submitter. Criteria: ACMG Guidelines, 2015. Collection method: clinical testing. Allele origin: germline.
Comment: The ALMS1 c.9820A>G variant is predicted to result in the amino acid substitution p.Lys3274Glu. To our knowledge, this variant has not been reported in the literature. This variant is reported in 0.017% of alleles in individuals of Latino descent in gnomAD. At this time, the clinical significance of this variant is uncertain due to the absence of conclusive functional and genetic evidence.